The following is an entry in ClinVar:

ClinVar aggregate classification (germline): Likely benign. Review status: criteria provided, multiple submitters, no conflicts (2 of 4 stars). 3 submissions from 3 submitters: Likely benign (3). Last evaluated 2026-05-10.

Conditions:
ADK-related disorder. Also called: ADK-related condition.

Allele frequency attached by ClinVar (database versions not stated): gnomAD exomes 0.00004; TOPMed 0.00006; ExAC 0.00007; gnomAD 0.00013.
gnomAD v4.1: 83 of 1,613,930 alleles (0.0051%); highest among the groups gnomAD compares: South Asian, 0.043%; 1 homozygote.

Submissions (3):

PreventionGenetics, part of Exact Sciences
Classification: Likely benign for ADK-related condition. Last evaluated: 2026-05-10. Review status: criteria provided, single submitter. Criteria: ACMG Guidelines, 2015. Collection method: clinical testing. Allele origin: germline.
Comment: This variant is classified as likely benign based on ACMG/AMP sequence variant interpretation guidelines (Richards et al. 2015 PMID: 25741868, with internal and published modifications).

Labcorp Genetics (formerly Invitae), Labcorp
Classification: Likely benign. Last evaluated: 2026-01-20. Review status: criteria provided, single submitter. Criteria: Invitae Variant Classification Sherloc (09022015). Collection method: clinical testing. Allele origin: germline.

CeGaT Center for Human Genetics Tuebingen
Classification: Likely benign. Last evaluated: 2022-10-01. Review status: criteria provided, single submitter. Criteria: CeGaT Center For Human Genetics Tuebingen Variant Classification Criteria Version 2. Collection method: clinical testing. Allele origin: germline. Affected: yes. Observed: 1 variant allele.
Comment: ADK: BP4, BP7

NM_006721.4(ADK):c.390C>T (p.Tyr130=)

Gene: ADK (adenosine kinase; plus strand). Cytogenetic location: 10q22.2.
Variant type: single nucleotide variant.
Coding change: c.390C>T on transcript NM_006721.4 (MANE Select); coding-DNA position 390, C replaced by T.
Protein change: p.Tyr130=; no amino-acid change (tyrosine 130 retained).
Molecular consequence: synonymous variant.
Genome position (GRCh38, 1-based): chr10:74,394,257, C>T. VCF-style: chr10-74394257-C-T. GRCh37 (hg19) VCF-style: chr10-76154015-C-T.
Other names: c.339C>T, p.Tyr113= (NM_001123.4, NM_001369124.1); c.285C>T, p.Tyr95= (NM_001202449.2); c.390C>T, p.Tyr130= (NM_001202450.2, NM_001369123.1); c.390C>T (NM_006721.3).
Identifiers: ClinVar variation 2084745 (VCV002084745.29), dbSNP rs367937485, ClinGen allele CA5563946.